The following is an entry in ClinVar:

ClinVar aggregate classification (germline): Likely benign. Review status: criteria provided, single submitter (1 of 4 stars). 2 submissions from 2 submitters: Likely benign (1). 1 of the submissions does not count toward it. Last evaluated 2024-09-03.

Conditions:
IFT172-related disorder. Also called: IFT172-related disorders; IFT172-related condition.
Short-rib thoracic dysplasia 10 with or without polydactyly (SRTD10). Identifiers: Orphanet 474, MedGen C3810175, MONDO:0014284, OMIM 615630.
Retinitis pigmentosa 71 (RP71). Identifiers: Orphanet 791, MedGen C4225342, MONDO:0014618, OMIM 616394.

gnomAD v4.1: 5 of 1,605,756 alleles (0.00031%); highest among the groups gnomAD compares: African/African-American, 0.0013%; no homozygotes.

Submissions (2):

Labcorp Genetics (formerly Invitae), Labcorp
Classification: Likely benign for Retinitis pigmentosa 71; Short-rib thoracic dysplasia 10 with or without polydactyly. Last evaluated: 2024-09-03. Review status: criteria provided, single submitter. Criteria: Invitae Variant Classification Sherloc (09022015). Collection method: clinical testing. Allele origin: germline.

PreventionGenetics, part of Exact Sciences
Classification: Likely benign for IFT172-related condition. Last evaluated: 2024-05-17. Review status: no assertion criteria provided. Collection method: clinical testing. Allele origin: germline. Not counted in ClinVar's aggregate classification.
Comment: This variant is classified as likely benign based on ACMG/AMP sequence variant interpretation guidelines (Richards et al. 2015 PMID: 25741868, with internal and published modifications).

NM_015662.3(IFT172):c.993G>T (p.Val331=)

Gene: IFT172 (intraflagellar transport 172; minus strand). Cytogenetic location: 2p23.3.
Variant type: single nucleotide variant.
Coding change: c.993G>T on transcript NM_015662.3 (MANE Select); coding-DNA position 993, G replaced by T.
Protein change: p.Val331=; no amino-acid change (valine 331 retained).
Molecular consequence: synonymous variant.
Genome position (GRCh38, 1-based): chr2:27,479,521, C>A on the plus strand (G>T on the coding strand, the complement: IFT172 is on the minus strand). VCF-style: chr2-27479521-C-A. GRCh37 (hg19) VCF-style: chr2-27702388-C-A.
Other names: c.993G>T, p.Val331= (NM_001410739.1).
Identifiers: ClinVar variation 3356271 (VCV003356271.3).
Genomic context (GRCh38, chr2:27,479,521, plus strand): 5'-GAATGAGCCACGCAAGTTCTCAGTGCAGTAGGCTACCATCCTGCTTACCTGGCTAGGTCC[C>A]ACATACGTCAACTCAAACTTGTTCTTGTAAATACTCCTTCGGAGGCAGCAGTCAAACTGT-3'
Protein context (NP_056477.1, residues 321-341): IYKNKFELTY[Val331=]GPSQVIVKNL